The following is an entry in ClinVar:

NM_133497.4(KCNV2):c.530G>T (p.Cys177Phe)

Gene: KCNV2 (potassium voltage-gated channel modifier subfamily V member 2; plus strand). Cytogenetic location: 9p24.2.
Variant type: single nucleotide variant.
Coding change: c.530G>T on transcript NM_133497.4 (MANE Select); coding-DNA position 530, G replaced by T.
Protein change: p.Cys177Phe; replaces cysteine 177 with phenylalanine.
Molecular consequence: missense variant.
Genome position (GRCh38, 1-based): chr9:2,718,269, G>T. VCF-style: chr9-2718269-G-T. GRCh37 (hg19) VCF-style: chr9-2718269-G-T.
Other names: short protein forms C177F.
Identifiers: ClinVar variation 4857285 (VCV004857285.1).

ClinVar aggregate classification (germline): Likely pathogenic (1 of 4 stars; one submission).

Conditions:
Cone dystrophy with supernormal rod response (CDSRR). Also called: CONE DYSTROPHY WITH SUPERNORMAL ROD RESPONSES. Identifiers: Orphanet 209932, MedGen C1835897, MONDO:0012475, OMIM 610356.

Submission:

MVZ Medizinische Genetik Mainz
Classification: Likely pathogenic for Cone dystrophy with supernormal rod response. Last evaluated: 2026-05-28. Review status: criteria provided, single submitter. Criteria: UK Practice Guidelines For Variant Classification V4 01 2020. Collection method: clinical testing. Allele origin: germline. Inheritance: Autosomal recessive inheritance. Affected: yes. Observed: 1 variant allele.
Comment: ACMG Criteria: PM5,PP3_MOD,PM2_SUP,PM3_SUP